The following is an entry in ClinVar:

ClinVar aggregate classification (germline): Likely benign. Review status: criteria provided, multiple submitters, no conflicts (2 of 4 stars). 2 submissions from 2 submitters: Likely benign (2). Last evaluated 2026-01-05.

Conditions:
Early-infantile DEE. Also called: Ohtahara syndrome; Early infantile epileptic encephalopathy; Early infantile epileptic encephalopathy with suppression bursts. Identifiers: Orphanet 1934, MedGen C0393706, MONDO:0800491.

Allele frequency attached by ClinVar (database versions not stated): ExAC 0.00003; gnomAD exomes 0.00003 and 0.00010; gnomAD 0.00006; TOPMed 0.00006; ESP Exome Variant Server 0.00008.
gnomAD v4.1: 155 of 1,597,224 alleles (0.0097%); highest among the groups gnomAD compares: Middle Eastern, 0.021%; no homozygotes.

Submissions (2):

Labcorp Genetics (formerly Invitae), Labcorp
Classification: Likely benign for Early-infantile DEE. Last evaluated: 2026-01-05. Review status: criteria provided, single submitter. Criteria: Invitae Variant Classification Sherloc (09022015). Collection method: clinical testing. Allele origin: germline.

GeneDx
Classification: Likely benign. Last evaluated: 2018-05-01. Review status: criteria provided, single submitter. Criteria: GeneDx Variant Classification (06012015). Collection method: clinical testing. Allele origin: germline. Affected: yes.
Comment: This variant is considered likely benign or benign based on one or more of the following criteria: it is a conservative change, it occurs at a poorly conserved position in the protein, it is predicted to be benign by multiple in silico algorithms, and/or has population frequency not consistent with disease.

NM_001191061.2(SLC25A22):c.146+11C>T

Gene: SLC25A22 (solute carrier family 25 member 22; minus strand). Cytogenetic location: 11p15.5.
Variant type: single nucleotide variant.
Coding change: c.146+11C>T on transcript NM_001191061.2 (MANE Select); 11 bases into the intron after coding-DNA position 146, C replaced by T.
Molecular consequence: intron variant.
Genome position (GRCh38, 1-based): chr11:794,765, G>A on the plus strand (C>T on the coding strand, the complement: SLC25A22 is on the minus strand). VCF-style: chr11-794765-G-A. GRCh37 (hg19) VCF-style: chr11-794765-G-A.
Other names: c.146+11C>T (NM_001191060.2, NM_024698.6).
Identifiers: ClinVar variation 682442 (VCV000682442.9), dbSNP rs372685549, ClinGen allele CA5789389.